The following is an entry in ClinVar:

ClinVar aggregate classification (germline): Likely benign. Review status: criteria provided, multiple submitters, no conflicts (2 of 4 stars). 2 submissions from 2 submitters: Likely benign (2). Last evaluated 2026-07-16.

Conditions:
SDCCAG8-related disorder. Also called: SDCCAG8-related condition; SDCCAG8-Related Disorders.
Bardet-Biedl syndrome 16 (BBS16). Identifiers: Orphanet 110, MedGen C3889474, MONDO:0014444, OMIM 615993.
Senior-Loken syndrome 7 (SLSN7). Identifiers: Orphanet 3156, MedGen C3150877, MONDO:0013326, OMIM 613615.

Allele frequency attached by ClinVar (database versions not stated): gnomAD exomes below 0.00001.
gnomAD v4.1: 3 of 1,614,196 alleles (0.00019%); highest among the groups gnomAD compares: Non-Finnish European, 0.00025%; no homozygotes.

Submissions (2):

PreventionGenetics, part of Exact Sciences
Classification: Likely benign for SDCCAG8-related condition. Last evaluated: 2026-07-16. Review status: criteria provided, single submitter. Criteria: ACMG Guidelines, 2015. Collection method: clinical testing. Allele origin: germline.
Comment: This variant is classified as likely benign based on ACMG/AMP sequence variant interpretation guidelines (Richards et al. 2015 PMID: 25741868, with internal and published modifications).

Labcorp Genetics (formerly Invitae), Labcorp
Classification: Likely benign for Bardet-Biedl syndrome 16; Senior-Loken syndrome 7. Last evaluated: 2026-01-16. Review status: criteria provided, single submitter. Criteria: Invitae Variant Classification Sherloc (09022015). Collection method: clinical testing. Allele origin: germline.

NM_006642.5(SDCCAG8):c.810T>A (p.Leu270=)

Gene: SDCCAG8 (SHH signaling and ciliogenesis regulator SDCCAG8; plus strand). Cytogenetic location: 1q43.
Variant type: single nucleotide variant.
Coding change: c.810T>A on transcript NM_006642.5 (MANE Select); coding-DNA position 810, T replaced by A.
Protein change: p.Leu270=; no amino-acid change (leucine 270 retained).
Molecular consequence: synonymous variant. On other transcripts: 5 prime UTR variant (3).
Genome position (GRCh38, 1-based): chr1:243,308,058, T>A. VCF-style: chr1-243308058-T-A. GRCh37 (hg19) VCF-style: chr1-243471360-T-A.
Other names: c.810T>A (NM_006642.3); c.-94T>A (NM_001350246.2, NM_001350247.2, NM_001350251.2); c.906T>A, p.Leu302= (NM_001350248.2); c.516T>A, p.Leu172= (NM_001350249.2).
Identifiers: ClinVar variation 1158362 (VCV001158362.10), dbSNP rs1573159964, ClinGen allele CA424105134.
Genomic context (GRCh38, chr1:243,308,058, plus strand): 5'-AGCTGAATATCAGAGAACTTGTGAAGATCTTAAAGAGCAACTAAAGCATAAAGAATTTCT[T>A]CTGGCTGCTAATACTTGTAACCGTGTTGGTGGTCTTTGTTTGAAATGTGCTCAGCATGAA-3'
Protein context (NP_006633.1, residues 260-280): LKEQLKHKEF[Leu270=]LAANTCNRVG